The following is an entry in ClinVar:

NM_001742.4(CALCR):c.993T>C (p.His331=)

Gene: CALCR (calcitonin receptor; minus strand). Cytogenetic location: 7q21.3.
Variant type: single nucleotide variant.
Coding change: c.993T>C on transcript NM_001742.4 (MANE Select); coding-DNA position 993, T replaced by C.
Protein change: p.His331=; no amino-acid change (histidine 331 retained).
Molecular consequence: synonymous variant.
Genome position (GRCh38, 1-based): chr7:93,436,108, A>G on the plus strand (T>C on the coding strand, the complement: CALCR is on the minus strand). VCF-style: chr7-93436108-A-G. GRCh37 (hg19) VCF-style: chr7-93065420-A-G.
Other names: c.1041T>C, p.His347= (NM_001164737.3); c.993T>C, p.His331= (NM_001164738.2).
Identifiers: ClinVar variation 3049696 (VCV003049696.2), dbSNP rs140388547, ClinGen allele CA4345366.

ClinVar aggregate classification (germline): Likely benign (0 of 4 stars; one submission).

Conditions:
CALCR-related disorder. Also called: CALCR-related condition.

Allele frequency attached by ClinVar (database versions not stated): TOPMed 0.00004; gnomAD 0.00013; ExAC 0.00023; gnomAD exomes 0.00023; 1000 Genomes Project 30x 0.00109; 1000 Genomes Project 0.00140.
gnomAD v4.1: 355 of 1,614,188 alleles (0.022%); highest among the groups gnomAD compares: East Asian, 0.74%; 4 homozygotes.

Submission:

PreventionGenetics, part of Exact Sciences
Classification: Likely benign for CALCR-related condition. Last evaluated: 2019-07-10. Review status: no assertion criteria provided. Collection method: clinical testing. Allele origin: germline.
Comment: This variant is classified as likely benign based on ACMG/AMP sequence variant interpretation guidelines (Richards et al. 2015 PMID: 25741868, with internal and published modifications).